The following is an entry in ClinVar:

NM_130384.3(ATRIP):c.2162_2179dup (p.Leu726_Leu727insArgAspThrValLeuLeu)

Genes: ATRIP (ATR interacting protein; plus strand), ATRIP-TREX1 (ATRIP-TREX1 readthrough; plus strand). Cytogenetic location: 3p21.31.
Variant type: Duplication.
Coding change: c.2162_2179dup on transcript NM_130384.3 (MANE Select); coding-DNA positions 2162 to 2179, 18 bases duplicated (GGGACACGGTGCTGCTGC).
Protein change: p.Leu726_Leu727insArgAspThrValLeuLeu.
Molecular consequence: non-coding transcript variant (on NR_153405.1).
Genome position (GRCh38, 1-based): chr3:48,464,937-48,464,954, GGGACACGGTGCTGCTGC duplicated; duplicating any 18 consecutive bases within chr3:48,464,933-48,464,954 gives the same sequence; the c. name uses the placement nearest the transcript's 3' end. VCF-style (leftmost placement, unchanged base first): chr3-48464932-T-TCTGCGGGACACGGTGCTG. GRCh37 (hg19) VCF-style: chr3-48506331-T-TCTGCGGGACACGGTGCTG.
Other names: c.1883_1900dup, p.Leu633_Leu634insArgAspThrValLeuLeu (NM_001271023.2); c.2081_2098dup, p.Leu699_Leu700insArgAspThrValLeuLeu (NM_032166.4); c.1781_1798dup, p.Leu599_Leu600insArgAspThrValLeuLeu (NM_001271022.2).
Identifiers: ClinVar variation 4182679 (VCV004182679.1).

ClinVar aggregate classification (germline): Uncertain significance (1 of 4 stars; one submission).

Submission:

Ambry Genetics
Classification: Uncertain significance. Last evaluated: 2025-08-26. Review status: criteria provided, single submitter. Criteria: Ambry Variant Classification Scheme 2023. Collection method: clinical testing. Allele origin: germline.
Comment: The c.2162_2179dup18 variant (also known as p.R721_L726dup), located in coding exon 12 of the ATRIP gene, results from an in-frame duplication of 18 nucleotides at nucleotide positions 2162 to 2179. This results in the duplication of 6 extra residues (RDTVLL) between codons 721 and 726. The evidence for this gene-disease relationship is limited; therefore, the clinical significance of this alteration is unclear.